The following is an entry in ClinVar:

ClinVar aggregate classification (germline): Uncertain significance (1 of 4 stars; one submission).

Conditions:
Hereditary cancer-predisposing syndrome. Also called: Hereditary neoplastic syndrome; Neoplastic Syndromes, Hereditary; Tumor predisposition; Hereditary Cancer Syndrome. Identifiers: Orphanet 140162, MedGen C0027672, MeSH D009386, MONDO:0015356.

Submission:

Ambry Genetics
Classification: Uncertain significance for Hereditary cancer-predisposing syndrome. Last evaluated: 2025-08-27. Review status: criteria provided, single submitter. Criteria: Ambry Variant Classification Scheme 2023. Collection method: clinical testing. Allele origin: germline.
Comment: The p.A547G variant (also known as c.1640C>G), located in coding exon 16 of the MUTYH gene, results from a C to G substitution at nucleotide position 1640. The alanine at codon 547 is replaced by glycine, an amino acid with similar properties. This amino acid position is conserved. In addition, this alteration is predicted to be tolerated by in silico analysis. Based on the available evidence, the clinical significance of this variant remains unclear.

NM_001048174.2(MUTYH):c.1556C>G (p.Ala519Gly)

Gene: MUTYH (mutY DNA glycosylase; minus strand). Cytogenetic location: 1p34.1.
Variant type: single nucleotide variant.
Coding change: c.1556C>G on transcript NM_001048174.2 (MANE Select); coding-DNA position 1556, C replaced by G.
Protein change: p.Ala519Gly; replaces alanine 519 with glycine.
Molecular consequence: missense variant. On other transcripts: non-coding transcript variant (7).
Genome position (GRCh38, 1-based): chr1:45,329,316, G>C on the plus strand (C>G on the coding strand, the complement: MUTYH is on the minus strand). VCF-style: chr1-45329316-G-C. GRCh37 (hg19) VCF-style: chr1-45794988-G-C.
Other names: c.1556C>G, p.Ala519Gly (NM_001048171.2, NM_001048173.2, NM_001293195.2 and 6 more transcripts); c.1559C>G, p.Ala520Gly (NM_001048172.2, NM_001407086.1, NM_001407071.1 and 1 more transcripts); c.1640C>G, p.Ala547Gly (NM_001128425.2); c.1601C>G, p.Ala534Gly (NM_001293190.2); c.1589C>G, p.Ala530Gly (NM_001293191.2, NM_001407069.1, NM_001407077.1); c.1280C>G, p.Ala427Gly (NM_001293192.2, NM_001293196.2, NM_001407091.1); c.1211C>G, p.Ala404Gly (NM_001350650.2, NM_001350651.2, NM_001407082.1); c.1598C>G, p.Ala533Gly (NM_001407083.1, NM_001407085.1); and 5 more; short protein forms A427G, A519G, A520G, A534G, A505G, A530G, A533G, A547G.
Identifiers: ClinVar variation 4113485 (VCV004113485.1).